The following is an entry in ClinVar:

ClinVar aggregate classification (germline): Pathogenic (1 of 4 stars; one submission).

Conditions:
MHC class II deficiency. Also called: Bare lymphocyte syndrome 2; BLS, TYPE II. Identifiers: Orphanet 572, MedGen C5447452, MONDO:0008855.

Submission:

Labcorp Genetics (formerly Invitae), Labcorp
Classification: Pathogenic for MHC class II deficiency. Last evaluated: 2023-07-21. Review status: criteria provided, single submitter. Criteria: Invitae Variant Classification Sherloc (09022015). Collection method: clinical testing. Allele origin: germline.
Comment: For these reasons, this variant has been classified as Pathogenic. Algorithms developed to predict the effect of sequence changes on RNA splicing suggest that this variant may create or strengthen a splice site. This variant has not been reported in the literature in individuals affected with CIITA-related conditions. This variant is not present in population databases (gnomAD no frequency). This sequence change creates a premature translational stop signal (p.Glu352Argfs*46) in the CIITA gene. It is expected to result in an absent or disrupted protein product. Loss-of-function variants in CIITA are known to be pathogenic (PMID: 8402893, 9099848, 26271388).

Literature cited by the submitters: PubMed 8402893; PubMed 9099848; PubMed 26271388.

NM_000246.4(CIITA):c.1054_1058del (p.Glu352fs)

Gene: CIITA (class II major histocompatibility complex transactivator; plus strand). Cytogenetic location: 16p13.13.
Variant type: Deletion.
Coding change: c.1054_1058del on transcript NM_000246.4 (MANE Select); coding-DNA positions 1054 to 1058, 5 bases deleted (GAGCC; older notation c.1054_1058delGAGCC).
Protein change: p.Glu352fs; shifts the reading frame from glutamic acid 352.
Molecular consequence: frameshift variant. On other transcripts: intron variant (1).
Genome position (GRCh38, 1-based): chr16:10,906,546-10,906,550, GAGCC deleted; deleting any 5 consecutive bases within chr16:10,906,543-10,906,550 gives the same sequence; the c. name uses the placement nearest the transcript's 3' end. VCF-style (leftmost placement, unchanged base first): chr16-10906542-TGCCGA-T. GRCh37 (hg19) VCF-style: chr16-11000399-TGCCGA-T.
Other names: c.1057_1061del, p.Glu353fs (NM_001286402.1, NM_001379332.1); c.910_914del, p.Glu304fs (NM_001379330.1); c.907_911del, p.Glu303fs (NM_001379331.1); c.1054_1058del, p.Glu352fs (NM_001379333.1); c.985_989del, p.Glu329fs (NM_001379334.1); c.859+1734_859+1738del (NM_001286403.2); short protein forms E303fs, E329fs, E352fs, E304fs, E353fs.
Identifiers: ClinVar variation 2745776 (VCV002745776.3), dbSNP rs2544468802, ClinGen allele CA2697555638.